The following is an entry in ClinVar:

ClinVar aggregate classification (germline): Uncertain significance. Review status: criteria provided, single submitter (1 of 4 stars). 2 submissions from 2 submitters: Uncertain significance (1). 1 of the submissions does not count toward it. Last evaluated 2024-04-12.

Conditions:
TENM4-related disorder. Also called: TENM4-related condition.

Allele frequency attached by ClinVar (database versions not stated): TOPMed below 0.00001; gnomAD exomes 0.00001.
gnomAD v4.1: 6 of 1,551,326 alleles (0.00039%); highest among the groups gnomAD compares: Non-Finnish European, 0.00052%; no homozygotes.

Submissions (2):

Mayo Clinic Laboratories, Mayo Clinic
Classification: Uncertain significance. Last evaluated: 2024-04-12. Review status: criteria provided, single submitter. Criteria: ACMG Guidelines, 2015. Collection method: clinical testing. Allele origin: germline. Observed: 1 variant allele.

PreventionGenetics, part of Exact Sciences
Classification: Uncertain significance for TENM4-related condition. Last evaluated: 2024-02-15. Review status: no assertion criteria provided. Collection method: clinical testing. Allele origin: germline. Not counted in ClinVar's aggregate classification.
Comment: The TENM4 c.751A>G variant is predicted to result in the amino acid substitution p.Asn251Asp. To our knowledge, this variant has not been reported in the literature. This variant is reported in 0.0017% of alleles in individuals of European (Non-Finnish) descent in gnomAD. At this time, the clinical significance of this variant is uncertain due to the absence of conclusive functional and genetic evidence.

NM_001098816.3(TENM4):c.751A>G (p.Asn251Asp)

Gene: TENM4 (teneurin transmembrane protein 4; minus strand). Cytogenetic location: 11q14.1.
Variant type: single nucleotide variant.
Coding change: c.751A>G on transcript NM_001098816.3 (MANE Select); coding-DNA position 751, A replaced by G.
Protein change: p.Asn251Asp; replaces asparagine 251 with aspartic acid.
Molecular consequence: missense variant.
Genome position (GRCh38, 1-based): chr11:78,891,335, T>C on the plus strand (A>G on the coding strand, the complement: TENM4 is on the minus strand). VCF-style: chr11-78891335-T-C. GRCh37 (hg19) VCF-style: chr11-78602380-T-C.
Other names: p.Asn251Asp; short protein forms N251D.
Identifiers: ClinVar variation 3061337 (VCV003061337.3), dbSNP rs1212156015, ClinGen allele CA382183821.